The following is an entry in ClinVar:

ClinVar aggregate classification (germline): Uncertain significance (1 of 4 stars; one submission).

Conditions:
Hereditary cancer-predisposing syndrome. Also called: Neoplastic Syndromes, Hereditary; Tumor predisposition; Hereditary neoplastic syndrome; Hereditary Cancer Syndrome. Identifiers: Orphanet 140162, MedGen C0027672, MeSH D009386, MONDO:0015356.

Submission:

Ambry Genetics
Classification: Uncertain significance for Hereditary cancer-predisposing syndrome. Last evaluated: 2024-04-12. Review status: criteria provided, single submitter. Criteria: Ambry Variant Classification Scheme 2023. Collection method: clinical testing. Allele origin: germline.
Comment: The p.P339S variant (also known as c.1015C>T), located in coding exon 9 of the SMARCE1 gene, results from a C to T substitution at nucleotide position 1015. The proline at codon 339 is replaced by serine, an amino acid with similar properties. This amino acid position is highly conserved in available vertebrate species. In addition, this alteration is predicted to be tolerated by in silico analysis. Based on the available evidence, the clinical significance of this variant remains unclear.

NM_003079.5(SMARCE1):c.1015C>T (p.Pro339Ser)

Gene: SMARCE1 (SWI/SNF related BAF chromatin remodeling complex subunit E1; minus strand). Cytogenetic location: 17q21.2.
Variant type: single nucleotide variant.
Coding change: c.1015C>T on transcript NM_003079.5 (MANE Select); coding-DNA position 1015, C replaced by T.
Protein change: p.Pro339Ser; replaces proline 339 with serine.
Molecular consequence: missense variant.
Genome position (GRCh38, 1-based): chr17:40,630,726, G>A on the plus strand (C>T on the coding strand, the complement: SMARCE1 is on the minus strand). VCF-style: chr17-40630726-G-A. GRCh37 (hg19) VCF-style: chr17-38786978-G-A.
Other names: short protein forms P339S.
Identifiers: ClinVar variation 3320846 (VCV003320846.1).